The following is an entry in ClinVar:

ClinVar aggregate classification (germline): Uncertain significance. Review status: criteria provided, multiple submitters, no conflicts (2 of 4 stars). 2 submissions from 2 submitters: Uncertain significance (2). Last evaluated 2026-01-06.

Conditions:
TH-deficient dopa-responsive dystonia. Also called: Tyrosine Hydroxylase-Deficient Dopa-Responsive Dystonia; Segawa syndrome, autosomal recessive; DYT-TH. Identifiers: Orphanet 101150, MedGen C2673535, MONDO:0011551, OMIM 605407.
Inborn genetic diseases. Identifiers: MedGen C0950123, MeSH D030342.

gnomAD v4.1: 1 of 1,563,120 alleles (0.000064%); highest among the groups gnomAD compares: Non-Finnish European, 0.000087%; no homozygotes.

Submissions (2):

3billion
Classification: Uncertain significance for TH-deficient dopa-responsive dystonia. Last evaluated: 2026-01-06. Review status: criteria provided, single submitter. Criteria: ACMG Guidelines, 2015. Collection method: clinical testing. Allele origin: germline. Affected: yes.
Comment: The variant is observed at an extremely low frequency in the gnomAD v4.1.0 dataset (total allele frequency: <0.001%). Predicted Consequence/Location: Missense variant Damaging effect on gene or gene product predicted by in silico programs is uncertain [REVEL: 0.43 (damaging >=0.6, benign <0.4), 3Cnet: 0.30 (damaging >0.75, benign <0.1)]. The variant has been reported as of uncertain significance (ClinVar ID: VCV004183793). Different missense changes at the same codon have been reported as of uncertain significance (ClinVar ID: VCV000412033, VCV001955471). Therefore, this variant is classified as VUS according to the recommendation of ACMG/AMP guideline.

Ambry Genetics
Classification: Uncertain significance for Inborn genetic diseases. Last evaluated: 2025-08-13. Review status: criteria provided, single submitter. Criteria: Ambry Variant Classification Scheme 2023. Collection method: clinical testing. Allele origin: germline.

NM_000360.4(TH):c.661C>G (p.Arg221Gly)

Gene: TH (tyrosine hydroxylase; minus strand). Cytogenetic location: 11p15.5.
Variant type: single nucleotide variant.
Coding change: c.661C>G on transcript NM_000360.4 (MANE Select); coding-DNA position 661, C replaced by G.
Protein change: p.Arg221Gly; replaces arginine 221 with glycine.
Molecular consequence: missense variant.
Genome position (GRCh38, 1-based): chr11:2,167,469, G>C on the plus strand (C>G on the coding strand, the complement: TH is on the minus strand). VCF-style: chr11-2167469-G-C. GRCh37 (hg19) VCF-style: chr11-2188699-G-C.
Other names: c.673C>G, p.Arg225Gly (NM_001440535.1, NM_001440536.1); c.661C>G, p.Arg221Gly (NM_001440537.1); c.754C>G, p.Arg252Gly (NM_199292.3); c.742C>G, p.Arg248Gly (NM_199293.3); short protein forms R248G, R221G, R225G, R252G.
Identifiers: ClinVar variation 4183793 (VCV004183793.2).